The following is an entry in ClinVar:

ClinVar aggregate classification (germline): Uncertain significance. Review status: criteria provided, multiple submitters, no conflicts (2 of 4 stars). 4 submissions from 4 submitters: Uncertain significance (4). Last evaluated 2024-10-06.

Conditions:
Endometrial carcinoma. Also called: Endometrial carcinoma, somatic. Identifiers: MedGen C0476089, MONDO:0002447, OMIM 608089, HP:0012114.
Familial adenomatous polyposis 4 (FAP4). Also called: MSH3-related attenuated familial adenomatous polyposis. Identifiers: Orphanet 480536, MedGen C4310719, MONDO:0044300, OMIM 617100.
Hereditary cancer-predisposing syndrome. Also called: Neoplastic Syndromes, Hereditary; Tumor predisposition; Hereditary Cancer Syndrome; Hereditary neoplastic syndrome. Identifiers: Orphanet 140162, MedGen C0027672, MeSH D009386, MONDO:0015356.

Allele frequency attached by ClinVar (database versions not stated): gnomAD exomes below 0.00001.
gnomAD v4.1: 5 of 1,614,002 alleles (0.00031%); highest among the groups gnomAD compares: Non-Finnish European, 0.00042%; no homozygotes.

Submissions (4):

Ambry Genetics
Classification: Uncertain significance for Hereditary cancer-predisposing syndrome. Last evaluated: 2024-10-06. Review status: criteria provided, single submitter. Criteria: Ambry Variant Classification Scheme 2023. Collection method: clinical testing. Allele origin: germline.
Comment: The p.K568I variant (also known as c.1703A>T), located in coding exon 12 of the MSH3 gene, results from an A to T substitution at nucleotide position 1703. The lysine at codon 568 is replaced by isoleucine, an amino acid with dissimilar properties. This amino acid position is well conserved in available vertebrate species. In addition, the in silico prediction for this alteration is inconclusive. Since supporting evidence is limited at this time, the clinical significance of this alteration remains unclear.

Fulgent Genetics
Classification: Uncertain significance for Endometrial carcinoma; Familial adenomatous polyposis 4. Last evaluated: 2024-04-30. Review status: criteria provided, single submitter. Criteria: ACMG Guidelines, 2015. Collection method: clinical testing. Allele origin: germline.

Labcorp Genetics (formerly Invitae), Labcorp
Classification: Uncertain significance. Last evaluated: 2024-04-27. Review status: criteria provided, single submitter. Criteria: Invitae Variant Classification Sherloc (09022015). Collection method: clinical testing. Allele origin: germline.
Comment: This sequence change replaces lysine, which is basic and polar, with isoleucine, which is neutral and non-polar, at codon 568 of the MSH3 protein (p.Lys568Ile). This variant is present in population databases (no rsID available, gnomAD 0.0009%). This variant has not been reported in the literature in individuals affected with MSH3-related conditions. ClinVar contains an entry for this variant (Variation ID: 639281). An algorithm developed to predict the effect of missense changes on protein structure and function (PolyPhen-2) suggests that this variant is likely to be disruptive. In summary, the available evidence is currently insufficient to determine the role of this variant in disease. Therefore, it has been classified as a Variant of Uncertain Significance.

Baylor Genetics
Classification: Uncertain significance for Endometrial carcinoma. Last evaluated: 2023-11-20. Review status: criteria provided, single submitter. Criteria: ACMG Guidelines, 2015. Collection method: clinical testing. Allele origin: unknown.

NM_002439.5(MSH3):c.1703A>T (p.Lys568Ile)

Gene: MSH3 (mutS homolog 3; plus strand). Cytogenetic location: 5q14.1.
Variant type: single nucleotide variant.
Coding change: c.1703A>T on transcript NM_002439.5 (MANE Select); coding-DNA position 1703, A replaced by T.
Protein change: p.Lys568Ile; replaces lysine 568 with isoleucine.
Molecular consequence: missense variant.
Genome position (GRCh38, 1-based): chr5:80,744,555, A>T. VCF-style: chr5-80744555-A-T. GRCh37 (hg19) VCF-style: chr5-80040374-A-T.
Other names: short protein forms K568I.
Identifiers: ClinVar variation 639281 (VCV000639281.12), dbSNP rs1353476726, ClinGen allele CA360274728.
Genomic context (GRCh38, chr5:80,744,555, plus strand): 5'-GTCTTTCTTAGACTGATATGAAAACCAAAGGAAGTTTGCTGTGGGTTTTAGACCACACTA[A>T]AACTTCATTTGGGAGACGGAAGTTAAAGAAGTGGGTGACCCAGCCACTCCTTAAATTAAG-3'
Protein context (NP_002430.3, residues 558-578): GSLLWVLDHT[Lys568Ile]TSFGRRKLKK